The following is an entry in ClinVar:

NM_012238.5(SIRT1):c.210G>A (p.Ala70=)

Genes: SIRT1 (sirtuin 1; plus strand), LOC107832851 (SIRT1 promoter region; plus strand). Cytogenetic location: 10q21.3.
Variant type: single nucleotide variant.
Coding change: c.210G>A on transcript NM_012238.5 (MANE Select); coding-DNA position 210, G replaced by A.
Protein change: p.Ala70=; no amino-acid change (alanine 70 retained).
Molecular consequence: synonymous variant.
Genome position (GRCh38, 1-based): chr10:67,884,931, G>A. VCF-style: chr10-67884931-G-A. GRCh37 (hg19) VCF-style: chr10-69644689-G-A.
Identifiers: ClinVar variation 3049203 (VCV003049203.2), dbSNP rs983336735, ClinGen allele CA208364193.

ClinVar aggregate classification (germline): Likely benign (0 of 4 stars; one submission).

Conditions:
SIRT1-related disorder. Also called: SIRT1-related condition.

Allele frequency attached by ClinVar (database versions not stated): gnomAD 0.00001; TOPMed 0.00001; gnomAD exomes 0.00002.
gnomAD v4.1: 24 of 1,236,594 alleles (0.0019%); highest among the groups gnomAD compares: Non-Finnish European, 0.0024%; no homozygotes.

Submission:

PreventionGenetics, part of Exact Sciences
Classification: Likely benign for SIRT1-related condition. Last evaluated: 2023-07-22. Review status: no assertion criteria provided. Collection method: clinical testing. Allele origin: germline.
Comment: This variant is classified as likely benign based on ACMG/AMP sequence variant interpretation guidelines (Richards et al. 2015 PMID: 25741868, with internal and published modifications).